The following is an entry in ClinVar:

NM_020738.4(KIDINS220):c.5178T>C (p.Asn1726=)

Gene: KIDINS220 (kinase D interacting substrate 220; minus strand). Cytogenetic location: 2p25.1.
Variant type: single nucleotide variant.
Coding change: c.5178T>C on transcript NM_020738.4 (MANE Select); coding-DNA position 5178, T replaced by C.
Protein change: p.Asn1726=; no amino-acid change (asparagine 1726 retained).
Molecular consequence: synonymous variant. On other transcripts: intron variant (6).
Genome position (GRCh38, 1-based): chr2:8,730,858, A>G on the plus strand (T>C on the coding strand, the complement: KIDINS220 is on the minus strand). VCF-style: chr2-8730858-A-G. GRCh37 (hg19) VCF-style: chr2-8870988-A-G.
Other names: c.5181T>C, p.Asn1727= (NM_001348729.2); c.5124T>C, p.Asn1708= (NM_001348731.2); c.5121T>C, p.Asn1707= (NM_001348732.2); c.5010T>C, p.Asn1670= (NM_001348734.2); c.5007T>C, p.Asn1669= (NM_001348735.2); c.4881T>C, p.Asn1627= (NM_001348736.2); c.3882+2586T>C (NM_001348741.2, NM_001348742.2, NM_001348743.2); c.3996+2586T>C (NM_001348738.2); and 1 more.
Identifiers: ClinVar variation 4986035 (VCV004986035.1).
Genomic context (GRCh38, chr2:8,730,858, plus strand): 5'-GGAGAGCCTTGTGTAACTTGAACGTTGGCTTCGCTTATGTGTCATGCTTTTTAGATTCTC[A>G]TTCTGAATAGTGGTTGGGTTGGGACTGGAACTAGGCCTCAAAATGACTTGAGAAGTCTCC-3'
Protein context (NP_065789.1, residues 1716-1736): SSSPNPTTIQ[Asn1726=]ENLKSMTHKR

ClinVar aggregate classification (germline): Likely benign (1 of 4 stars; one submission).

Conditions:
KIDINS220-related disorder. Also called: KIDINS220-related condition.

gnomAD v4.1: 7 of 1,614,146 alleles (0.00043%); highest among the groups gnomAD compares: South Asian, 0.0077%; no homozygotes.

Submission:

PreventionGenetics, part of Exact Sciences
Classification: Likely benign for KIDINS220-related condition. Last evaluated: 2025-03-05. Review status: criteria provided, single submitter. Criteria: ACMG Guidelines, 2015. Collection method: clinical testing. Allele origin: germline.
Comment: This variant is classified as likely benign based on ACMG/AMP sequence variant interpretation guidelines (Richards et al. 2015 PMID: 25741868, with internal and published modifications).